The following is an entry in ClinVar:

NM_001378615.1(CC2D2A):c.4144_4145delinsGC (p.Lys1382Ala)

Genes: CC2D2A (coiled-coil and C2 domain containing 2A; plus strand), FBXL5 (F-box and leucine rich repeat protein 5; minus strand). Cytogenetic location: 4p15.32.
Variant type: Indel.
Coding change: c.4144_4145delinsGC on transcript NM_001378615.1 (MANE Select); coding-DNA positions 4144 to 4145, AA replaced by GC.
Protein change: p.Lys1382Ala; replaces lysine 1382 with alanine.
Molecular consequence: missense variant.
Genome position (GRCh38, 1-based): chr4:15,587,894-15,587,895, AA replaced by GC. VCF-style: chr4-15587894-AA-GC. GRCh37 (hg19) VCF-style: chr4-15589517-AA-GC.
Other names: c.4144_4145delinsGC, p.Lys1382Ala (NM_001080522.2); c.3997_3998delinsGC, p.Lys1333Ala (NM_001378617.1); short protein forms K1382A, K1333A.
Identifiers: ClinVar variation 2123243 (VCV002123243.1), dbSNP rs2475124035, ClinGen allele CA2580070889.

ClinVar aggregate classification (germline): Uncertain significance (1 of 4 stars; one submission).

Conditions:
Joubert syndrome. Also called: JOUBERT-BOLTSHAUSER SYNDROME; Familial aplasia of the vermis. Identifiers: Orphanet 475, MedGen C5979921, MONDO:0018772.
Meckel-Gruber syndrome. Also called: DYSENCEPHALIA SPLANCHNOCYSTICA; GRUBER SYNDROME; Dysencephalia splachnocystica. Identifiers: Orphanet 564, MedGen C0265215, MONDO:0018921.

Submission:

Labcorp Genetics (formerly Invitae), Labcorp
Classification: Uncertain significance for Joubert syndrome; Meckel-Gruber syndrome. Last evaluated: 2022-04-08. Review status: criteria provided, single submitter. Criteria: Invitae Variant Classification Sherloc (09022015). Collection method: clinical testing. Allele origin: germline.
Comment: This sequence change replaces lysine, which is basic and polar, with alanine, which is neutral and non-polar, at codon 1382 of the CC2D2A protein (p.Lys1382Ala). Information on the frequency of this variant in the gnomAD database is not available, as this variant may be reported differently in the database. This variant has not been reported in the literature in individuals affected with CC2D2A-related conditions. Algorithms developed to predict the effect of missense changes on protein structure and function are either unavailable or do not agree on the potential impact of this missense change (SIFT: "Not Available"; PolyPhen-2: "Benign"; Align-GVGD: "Not Available"). In summary, the available evidence is currently insufficient to determine the role of this variant in disease. Therefore, it has been classified as a Variant of Uncertain Significance.